The following is an entry in ClinVar:

ClinVar aggregate classification (germline): Pathogenic/Likely pathogenic. Review status: criteria provided, multiple submitters, no conflicts (2 of 4 stars). 3 submissions from 3 submitters: Pathogenic (2); Likely pathogenic (1). Last evaluated 2023-01-24.

Conditions:
Usher syndrome type 1F (USH1F). Also called: USHER SYNDROME, TYPE IF. Identifiers: Orphanet 231169, Orphanet 886, MedGen C1865885, MONDO:0011186, OMIM 602083.
PCDH15-related disorder. Also called: PCDH15-related disorders; PCDH15-related condition.

Submissions (3):

Broad Center for Mendelian Genomics, Broad Institute of MIT and Harvard
Classification: Pathogenic for Usher syndrome type 1F. Last evaluated: 2023-01-24. Review status: criteria provided, single submitter. Criteria: ACMG Guidelines, 2015. Collection method: curation. Allele origin: germline. Inheritance: Autosomal recessive inheritance.
Comment: The p.Pro510fs variant in PCDH15 has been reported in 1 individual, in the compound heterozygous state, with Usher syndrome type 1F (PMID: 27743452), and has been identified in 0.006% (1/16256) of African/African American chromosomes by the Genome Aggregation Database (gnomAD; dbSNP ID: rs767847479). Although this variant has been seen in the general population in a heterozygous state, its frequency is low enough to be consistent with a recessive carrier frequency. This variant is predicted to cause a frameshift, which alters the protein‚Äôs amino acid sequence beginning at position 510 and leads to a premature termination codon 13 amino acids downstream. This alteration is then predicted to lead to a truncated or absent protein. Loss of function of the PCDH15 gene is an established disease mechanism in autosomal recessive Usher syndrome type 1F. In summary, this variant meets criteria to be classified as pathogenic for autosomal recessive Usher syndrome type 1F. ACMG/AMP Criteria applied: PVS1, PM2_supporting, PM3 (Richards 2015).

Labcorp Genetics (formerly Invitae), Labcorp
Classification: Pathogenic. Last evaluated: 2022-10-24. Review status: criteria provided, single submitter. Criteria: Invitae Variant Classification Sherloc (09022015). Collection method: clinical testing. Allele origin: germline.
Comment: This sequence change creates a premature translational stop signal (p.Pro510Leufs*13) in the PCDH15 gene. It is expected to result in an absent or disrupted protein product. Loss-of-function variants in PCDH15 are known to be pathogenic (PMID: 11398101, 11487575, 14570705). This variant is present in population databases (rs767847479, gnomAD 0.007%). This variant has not been reported in the literature in individuals affected with PCDH15-related conditions. ClinVar contains an entry for this variant (Variation ID: 1453439). For these reasons, this variant has been classified as Pathogenic.

Blueprint Genetics
Classification: Likely pathogenic for PCDH15-related disorders. Last evaluated: 2019-09-30. Review status: criteria provided, single submitter. Criteria: ACMG Guidelines, 2015. Collection method: clinical testing. Allele origin: germline. Affected: yes. Observed: 2 variant alleles.

Literature cited by the submitters: PubMed 11398101 (cited by Labcorp Genetics (formerly Invitae), Labcorp); PubMed 11487575 (cited by Labcorp Genetics (formerly Invitae), Labcorp); PubMed 14570705 (cited by Labcorp Genetics (formerly Invitae), Labcorp).

NM_001384140.1(PCDH15):c.1529del (p.Pro510fs)

Gene: PCDH15 (protocadherin related 15; minus strand). Cytogenetic location: 10q21.1.
Variant type: Deletion.
Coding change: c.1529del on transcript NM_001384140.1 (MANE Select); coding-DNA position 1529, one base deleted (C; older notation c.1529delC).
Protein change: p.Pro510fs; shifts the reading frame from proline 510.
Molecular consequence: frameshift variant.
Genome position (GRCh38, 1-based): chr10:54,183,505, G deleted on the plus strand (C on the coding strand, the reverse complement: PCDH15 is on the minus strand); the first of 3 consecutive G bases (chr10:54,183,505-54,183,507); deleting any one gives the same sequence. VCF-style (leftmost placement, unchanged base first): chr10-54183504-AG-A. GRCh37 (hg19) VCF-style: chr10-55943264-AG-A.
Other names: NM_001384140.1:c.1529del; c.1544del, p.Pro515fs (NM_001142763.2, NM_001142771.2); c.1529del, p.Pro510fs (NM_001142764.2, NM_001142765.2, NM_001142766.2 and 6 more transcripts); c.1418del, p.Pro473fs (NM_001142767.2); c.1463del, p.Pro488fs (NM_001142768.2, NM_001142773.2, NM_001354404.2); c.1563delC, p.Pro522Leufs (NM_001142769.4); c.1550del, p.Pro517fs (NM_001354411.2); short protein forms P515fs, P473fs, P517fs, P522fs, P510fs, P488fs.
Identifiers: ClinVar variation 1453439 (VCV001453439.7), dbSNP rs767847479, ClinGen allele CA5506346.